The following is an entry in ClinVar:

ClinVar aggregate classification (germline): Uncertain significance. Review status: criteria provided, multiple submitters, no conflicts (2 of 4 stars). 2 submissions from 2 submitters: Uncertain significance (2). Last evaluated 2025-12-20.

Conditions:
Colorectal cancer, hereditary nonpolyposis, type 7. Identifiers: Orphanet 144, MedGen C1858380, MONDO:0013725, OMIM 614385.

Allele frequency attached by ClinVar (database versions not stated): gnomAD exomes below 0.00001.
gnomAD v4.1: 1 of 1,614,124 alleles (0.000062%); highest among the groups gnomAD compares: Non-Finnish European, 0.000085%; no homozygotes.

Submissions (2):

Ambry Genetics
Classification: Uncertain significance. Last evaluated: 2025-12-20. Review status: criteria provided, single submitter. Criteria: Ambry Variant Classification Scheme 2023. Collection method: clinical testing. Allele origin: germline.
Comment: The p.E1312G variant (also known as c.3935A>G), located in coding exon 8 of the MLH3 gene, results from an A to G substitution at nucleotide position 3935. The glutamic acid at codon 1312 is replaced by glycine, an amino acid with similar properties. This amino acid position is conserved. In addition, this alteration is predicted to be deleterious by in silico analysis. Since supporting evidence is limited at this time, the clinical significance of this alteration remains unclear.

Labcorp Genetics (formerly Invitae), Labcorp
Classification: Uncertain significance for Colorectal cancer, hereditary nonpolyposis, type 7. Last evaluated: 2025-06-30. Review status: criteria provided, single submitter. Criteria: Invitae Variant Classification Sherloc (09022015). Collection method: clinical testing. Allele origin: germline.
Comment: This sequence change replaces glutamic acid, which is acidic and polar, with glycine, which is neutral and non-polar, at codon 1312 of the MLH3 protein (p.Glu1312Gly). This variant is not present in population databases (gnomAD no frequency). This variant has not been reported in the literature in individuals affected with MLH3-related conditions. ClinVar contains an entry for this variant (Variation ID: 1736293). An algorithm developed to predict the effect of missense changes on protein structure and function (PolyPhen-2) suggests that this variant is likely to be disruptive. In summary, the available evidence is currently insufficient to determine the role of this variant in disease. Therefore, it has been classified as a Variant of Uncertain Significance.

NM_001040108.2(MLH3):c.3935A>G (p.Glu1312Gly)

Gene: MLH3 (mutL homolog 3; minus strand). Cytogenetic location: 14q24.3.
Variant type: single nucleotide variant.
Coding change: c.3935A>G on transcript NM_001040108.2 (MANE Select); coding-DNA position 3935, A replaced by G.
Protein change: p.Glu1312Gly; replaces glutamic acid 1312 with glycine.
Molecular consequence: missense variant.
Genome position (GRCh38, 1-based): chr14:75,030,595, T>C on the plus strand (A>G on the coding strand, the complement: MLH3 is on the minus strand). VCF-style: chr14-75030595-T-C. GRCh37 (hg19) VCF-style: chr14-75497298-T-C.
Other names: c.3863A>G, p.Glu1288Gly (NM_014381.3); short protein forms E1288G, E1312G.
Identifiers: ClinVar variation 1736293 (VCV001736293.4), dbSNP rs1890982249, ClinGen allele CA390422648.